The following is an entry in ClinVar:

ClinVar aggregate classification (germline): Uncertain significance (1 of 4 stars; one submission).

Conditions:
Hereditary cancer-predisposing syndrome. Also called: Neoplastic Syndromes, Hereditary; Tumor predisposition; Hereditary Cancer Syndrome; Hereditary neoplastic syndrome. Identifiers: Orphanet 140162, MedGen C0027672, MeSH D009386, MONDO:0015356.

Submission:

Ambry Genetics
Classification: Uncertain significance for Hereditary cancer-predisposing syndrome. Last evaluated: 2025-10-21. Review status: criteria provided, single submitter. Criteria: Ambry Variant Classification Scheme 2023. Collection method: clinical testing. Allele origin: germline.
Comment: The p.E1398Q variant (also known as c.4192G>C), located in coding exon 21 of the DICER1 gene, results from a G to C substitution at nucleotide position 4192. The glutamic acid at codon 1398 is replaced by glutamine, an amino acid with highly similar properties. This amino acid position is conserved. In addition, the in silico prediction for this alteration is inconclusive. Based on the available evidence, the clinical significance of this variant remains unclear.

NM_177438.3(DICER1):c.4192G>C (p.Glu1398Gln)

Gene: DICER1 (dicer 1, ribonuclease III; minus strand). Cytogenetic location: 14q32.13.
Variant type: single nucleotide variant.
Coding change: c.4192G>C on transcript NM_177438.3 (MANE Select); coding-DNA position 4192, G replaced by C.
Protein change: p.Glu1398Gln; replaces glutamic acid 1398 with glutamine.
Molecular consequence: missense variant. On other transcripts: non-coding transcript variant (6).
Genome position (GRCh38, 1-based): chr14:95,099,794, C>G on the plus strand (G>C on the coding strand, the complement: DICER1 is on the minus strand). VCF-style: chr14-95099794-C-G. GRCh37 (hg19) VCF-style: chr14-95566131-C-G.
Other names: c.4192G>C, p.Glu1398Gln (NM_001195573.1, NM_001271282.3, NM_001291628.2 and 12 more transcripts); c.3910G>C, p.Glu1304Gln (NM_001395686.1); c.3787G>C, p.Glu1263Gln (NM_001395687.1, NM_001395688.1, NM_001395689.1 and 2 more transcripts); c.3625G>C, p.Glu1209Gln (NM_001395691.1); c.2509G>C, p.Glu837Gln (NM_001395697.1); short protein forms E1263Q, E1398Q, E837Q, E1209Q, E1304Q.
Identifiers: ClinVar variation 4637262 (VCV004637262.1).